The following is an entry in ClinVar:

NM_001024630.4(RUNX2):c.77G>C (p.Arg26Pro)

Gene: RUNX2 (RUNX family transcription factor 2; plus strand). Cytogenetic location: 6p21.1.
Variant type: single nucleotide variant.
Coding change: c.77G>C on transcript NM_001024630.4 (MANE Select); coding-DNA position 77, G replaced by C.
Protein change: p.Arg26Pro; replaces arginine 26 with proline.
Molecular consequence: missense variant.
Genome position (GRCh38, 1-based): chr6:45,422,611, G>C. VCF-style: chr6-45422611-G-C. GRCh37 (hg19) VCF-style: chr6-45390348-G-C.
Other names: c.77G>C, p.Arg26Pro (NM_001015051.4); c.35G>C, p.Arg12Pro (NM_001278478.2, NM_001369405.1); short protein forms R26P, R12P.
Identifiers: ClinVar variation 1523388 (VCV001523388.6), dbSNP rs1180264044, ClinGen allele CA363957584.
Genomic context (GRCh38, chr6:45,422,611, plus strand): 5'-CACTTCGCTAACTTGTGGCTGTTGTGATGCGTATTCCCGTAGATCCGAGCACCAGCCGGC[G>C]CTTCAGCCCCCCCTCCAGCAGCCTGCAGCCCGGCAAAATGAGCGACGTGAGCCCGGTGGT-3'
Protein context (NP_001019801.3, residues 16-36): NFFWDPSTSR[Arg26Pro]FSPPSSSLQP

ClinVar aggregate classification (germline): Uncertain significance (1 of 4 stars; one submission).

Submission:

Labcorp Genetics (formerly Invitae), Labcorp
Classification: Uncertain significance. Last evaluated: 2021-10-07. Review status: criteria provided, single submitter. Criteria: Invitae Variant Classification Sherloc (09022015). Collection method: clinical testing. Allele origin: germline.
Comment: This variant has not been reported in the literature in individuals affected with RUNX2-related conditions. This variant is not present in population databases (ExAC no frequency). This sequence change replaces arginine with proline at codon 26 of the RUNX2 protein (p.Arg26Pro). The arginine residue is moderately conserved and there is a moderate physicochemical difference between arginine and proline. In summary, the available evidence is currently insufficient to determine the role of this variant in disease. Therefore, it has been classified as a Variant of Uncertain Significance. Algorithms developed to predict the effect of missense changes on protein structure and function (SIFT, PolyPhen-2, Align-GVGD) all suggest that this variant is likely to be tolerated.